The following is an entry in ClinVar:

NM_014633.5(CTR9):c.2189G>A (p.Cys730Tyr)

Gene: CTR9 (CTR9 component of Paf1/RNA polymerase II complex; plus strand). Cytogenetic location: 11p15.4.
Variant type: single nucleotide variant.
Coding change: c.2189G>A on transcript NM_014633.5 (MANE Select); coding-DNA position 2189, G replaced by A.
Protein change: p.Cys730Tyr; replaces cysteine 730 with tyrosine.
Molecular consequence: missense variant.
Genome position (GRCh38, 1-based): chr11:10,770,289, G>A. VCF-style: chr11-10770289-G-A. GRCh37 (hg19) VCF-style: chr11-10791836-G-A.
Other names: c.2189G>A, p.Cys730Tyr (NM_001346279.2); short protein forms C730Y.
Identifiers: ClinVar variation 2135864 (VCV002135864.4), dbSNP rs1564970699, ClinGen allele CA379674664.

ClinVar aggregate classification (germline): Uncertain significance (1 of 4 stars; one submission).

Submission:

Labcorp Genetics (formerly Invitae), Labcorp
Classification: Uncertain significance. Last evaluated: 2022-05-16. Review status: criteria provided, single submitter. Criteria: Invitae Variant Classification Sherloc (09022015). Collection method: clinical testing. Allele origin: germline.
Comment: This variant is not present in population databases (gnomAD no frequency). In summary, the available evidence is currently insufficient to determine the role of this variant in disease. Therefore, it has been classified as a Variant of Uncertain Significance. Algorithms developed to predict the effect of missense changes on protein structure and function are either unavailable or do not agree on the potential impact of this missense change (SIFT: "Deleterious"; PolyPhen-2: "Benign"; Align-GVGD: "Class C0"). This variant has not been reported in the literature in individuals affected with CTR9-related conditions. This sequence change replaces cysteine, which is neutral and slightly polar, with tyrosine, which is neutral and polar, at codon 730 of the CTR9 protein (p.Cys730Tyr).